The following is an entry in ClinVar:

NM_182914.3(SYNE2):c.9925_9926inv (p.His3309Cys)

Gene: SYNE2 (spectrin repeat containing nuclear envelope protein 2; plus strand). Cytogenetic location: 14q23.2.
Variant type: Inversion.
Coding change: c.9925_9926inv on transcript NM_182914.3 (MANE Select).
Protein change: p.His3309Cys; replaces histidine 3309 with cysteine.
Molecular consequence: missense variant.
Genome position: GRCh38 VCF-style: chr14-64056124-CA-TG. GRCh37 (hg19) VCF-style: chr14-64522842-CA-TG.
Other names: c.9925_9926inv, p.His3309Cys (NM_015180.6); short protein forms H3309C.
Identifiers: ClinVar variation 654709 (VCV000654709.8), ClinGen allele CA915948825.

ClinVar aggregate classification (germline): Uncertain significance (1 of 4 stars; one submission).

Conditions:
Emery-Dreifuss muscular dystrophy 5, autosomal dominant (EDMD5). Also called: EMERY-DREIFUSS MUSCULAR DYSTROPHY 5. Identifiers: Orphanet 261, MedGen C2751805, MONDO:0013072, OMIM 612999.

Submission:

Labcorp Genetics (formerly Invitae), Labcorp
Classification: Uncertain significance for Emery-Dreifuss muscular dystrophy 5, autosomal dominant. Last evaluated: 2022-10-04. Review status: criteria provided, single submitter. Criteria: Invitae Variant Classification Sherloc (09022015). Collection method: clinical testing. Allele origin: germline.
Comment: This sequence change replaces histidine, which is basic and polar, with cysteine, which is neutral and slightly polar, at codon 3309 of the SYNE2 protein (p.His3309Cys). The frequency data for this variant in the population databases is considered unreliable, as metrics indicate poor data quality at this position in the gnomAD database. This variant has not been reported in the literature in individuals affected with SYNE2-related conditions. ClinVar contains an entry for this variant (Variation ID: 654709). Algorithms developed to predict the effect of missense changes on protein structure and function are either unavailable or do not agree on the potential impact of this missense change (SIFT: "Not Available"; PolyPhen-2: "Benign"; Align-GVGD: "Not Available"). In summary, the available evidence is currently insufficient to determine the role of this variant in disease. Therefore, it has been classified as a Variant of Uncertain Significance.